The following is an entry in ClinVar:

NM_000038.6(APC):c.6202_6225del (p.Met2068_Asp2075del)

Gene: APC (APC regulator of Wnt signaling pathway; plus strand). Cytogenetic location: 5q22.2.
Variant type: Deletion.
Coding change: c.6202_6225del on transcript NM_000038.6 (MANE Select); coding-DNA positions 6202 to 6225, 24 bases deleted (ATGGGTGGCATATTAGGTGAAGAT).
Protein change: p.Met2068_Asp2075del.
Molecular consequence: non-coding transcript variant (on NR_176365.1).
Genome position (GRCh38, 1-based): chr5:112,841,796-112,841,819, ATGGGTGGCATATTAGGTGAAGAT deleted; deleting any 24 consecutive bases within chr5:112,841,794-112,841,819 gives the same sequence; the c. name uses the placement nearest the transcript's 3' end. VCF-style (leftmost placement, unchanged base first): chr5-112841793-AATATGGGTGGCATATTAGGTGAAG-A. GRCh37 (hg19) VCF-style: chr5-112177490-AATATGGGTGGCATATTAGGTGAAG-A.
Other names: c.5953_5976del, p.Met1985_Asp1992del (NM_001407457.1, NM_001407454.1, NM_001407455.1 and 1 more transcripts); c.5899_5922del, p.Met1967_Asp1974del (NM_001407458.1, NM_001407459.1, NM_001407460.1 and 1 more transcripts); c.5815_5838del, p.Met1939_Asp1946del (NM_001407467.1, NM_001407469.1); c.5353_5376del, p.Met1785_Asp1792del (NM_001407470.1, NM_001354906.2); c.5050_5073del, p.Met1684_Asp1691del (NM_001407471.1, NM_001407472.1); c.6202_6225del, p.Met2068_Asp2075del (NM_001127510.3, NM_001354895.2, NM_001407450.1); c.6148_6171del, p.Met2050_Asp2057del (NM_001127511.3); c.6256_6279del, p.Met2086_Asp2093del (NM_001354896.2, NM_001407447.1, NM_001407448.1 and 1 more transcripts); and 11 more.
Identifiers: ClinVar variation 3412019 (VCV003412019.1).

ClinVar aggregate classification (germline): Uncertain significance (1 of 4 stars; one submission).

Conditions:
Hereditary cancer-predisposing syndrome. Also called: Neoplastic Syndromes, Hereditary; Tumor predisposition; Hereditary Cancer Syndrome; Hereditary neoplastic syndrome. Identifiers: Orphanet 140162, MedGen C0027672, MeSH D009386, MONDO:0015356.

Submission:

Ambry Genetics
Classification: Uncertain significance for Hereditary cancer-predisposing syndrome. Last evaluated: 2024-11-13. Review status: criteria provided, single submitter. Criteria: Ambry Variant Classification Scheme 2023. Collection method: clinical testing. Allele origin: germline.
Comment: The c.6202_6225del24 variant (also known as p.M2068_D2075del) is located in coding exon 15 of the APC gene. This variant results from an in-frame ATGGGTGGCATATTAGGTGAAGAT deletion at nucleotide positions 6202 to 6225. This results in the in-frame deletion of eight residues (MGGILGED) at codons 2068-2075. This amino acid region is well conserved in available vertebrate species. In addition, the in silico prediction for this alteration is inconclusive (Choi Y et al. PLoS ONE. 2012; 7(10):e46688). Based on the available evidence, the clinical significance of this variant remains unclear.